The following is an entry in ClinVar:

NM_000642.3(AGL):c.2682-8A>G

Gene: AGL (amylo-alpha-1,6-glucosidase and 4-alpha-glucanotransferase; plus strand). Cytogenetic location: 1p21.2.
Variant type: single nucleotide variant.
Coding change: c.2682-8A>G on transcript NM_000642.3 (MANE Select); 8 bases into the intron before coding-DNA position 2682, A replaced by G.
Molecular consequence: intron variant.
Genome position (GRCh38, 1-based): chr1:99,887,970, A>G. VCF-style: chr1-99887970-A-G. GRCh37 (hg19) VCF-style: chr1-100353526-A-G.
Other names: c.2682-8A>G (NM_000643.3, NM_000644.3, NM_001425326.1 and 2 more transcripts); c.2634-8A>G (NM_000646.3); c.2481-8A>G (NM_001425327.1); c.2478-8A>G (NM_001425328.1); c.2343-8A>G (NM_001425329.1); c.2304-8A>G (NM_001425332.1).
Identifiers: ClinVar variation 2202821 (VCV002202821.4), dbSNP rs1249051895, ClinGen allele CA524708591.
Genomic context (GRCh38, chr1:99,887,970, plus strand): 5'-CTTCTTTTGTTTCTATTGACAACAAGCGAAACTTCAATATATGGTTATCTTTATTTTCCA[A>G]TTCTTAGTCTTGCCTCCAGATTAACTTTGGCTGAGCTAAATCAGATCCTTTACCGATGTG-3'

ClinVar aggregate classification (germline): Pathogenic (1 of 4 stars; one submission).

Conditions:
Glycogen storage disease type III (GSD3). Also called: Cori disease; FORBES DISEASE. Identifiers: Orphanet 366, MedGen C0017922, MONDO:0009291, OMIM 232400.

Allele frequency attached by ClinVar (database versions not stated): TOPMed below 0.00001; gnomAD 0.00001.
gnomAD v4.1: 3 of 1,612,924 alleles (0.00019%); highest among the groups gnomAD compares: Non-Finnish European, 0.00017%; no homozygotes.

Submission:

Labcorp Genetics (formerly Invitae), Labcorp
Classification: Pathogenic for Glycogen storage disease type III. Last evaluated: 2023-01-10. Review status: criteria provided, single submitter. Criteria: Invitae Variant Classification Sherloc (09022015). Collection method: clinical testing. Allele origin: germline.
Comment: For these reasons, this variant has been classified as Pathogenic. Studies have shown that this variant results in a 7 bp insertion between exons 21 and 22 and introduces a premature termination codon (PMID: 23649758). The resulting mRNA is expected to undergo nonsense-mediated decay. This variant has been observed in individual(s) with glycogen storage disease (PMID: 23649758). It has also been observed to segregate with disease in related individuals. This variant is present in population databases (no rsID available, gnomAD 0.01%). This sequence change falls in intron 20 of the AGL gene. It does not directly change the encoded amino acid sequence of the AGL protein. RNA analysis indicates that this variant induces altered splicing and may result in an absent or disrupted protein product.

Literature cited by the submitters: PubMed 23649758.